The following is an entry in ClinVar:

NM_004260.4(RECQL4):c.1309C>A (p.Pro437Thr)

Gene: RECQL4 (RecQ like helicase 4; minus strand). Cytogenetic location: 8q24.3.
Variant type: single nucleotide variant.
Coding change: c.1309C>A on transcript NM_004260.4 (MANE Select); coding-DNA position 1309, C replaced by A.
Protein change: p.Pro437Thr; replaces proline 437 with threonine.
Molecular consequence: missense variant. On other transcripts: 5 prime UTR variant (1), non-coding transcript variant (3).
Genome position (GRCh38, 1-based): chr8:144,515,407, G>T on the plus strand (C>A on the coding strand, the complement: RECQL4 is on the minus strand). VCF-style: chr8-144515407-G-T. GRCh37 (hg19) VCF-style: chr8-145740791-G-T.
Other names: c.1213C>A, p.Pro405Thr (NM_001413017.1, NM_001413020.1); c.1309C>A, p.Pro437Thr (NM_001413018.1, NM_001413019.1, NM_001413033.1 and 2 more transcripts); c.238C>A, p.Pro80Thr (NM_001413021.1, NM_001413022.1, NM_001413023.1 and 8 more transcripts); c.1180C>A, p.Pro394Thr (NM_001413025.1); c.172C>A, p.Pro58Thr (NM_001413027.1, NM_001413030.1, NM_001413031.1 and 2 more transcripts); c.958C>A, p.Pro320Thr (NM_001413029.1); c.-159C>A (NM_001413043.1); short protein forms P80T, P437T, P320T, P394T, P405T, P58T.
Identifiers: ClinVar variation 3944334 (VCV003944334.1).

ClinVar aggregate classification (germline): Uncertain significance (1 of 4 stars; one submission).

Conditions:
Inborn genetic diseases. Identifiers: MedGen C0950123, MeSH D030342.

Submission:

Ambry Genetics
Classification: Uncertain significance for Inborn genetic diseases. Last evaluated: 2025-05-21. Review status: criteria provided, single submitter. Criteria: Ambry Variant Classification Scheme 2023. Collection method: clinical testing. Allele origin: germline.
Comment: The p.P437T variant (also known as c.1309C>A), located in coding exon 7 of the RECQL4 gene, results from a C to A substitution at nucleotide position 1309. The proline at codon 437 is replaced by threonine, an amino acid with highly similar properties. This amino acid position is conserved. In addition, this alteration is predicted to be tolerated by in silico analysis. Based on the available evidence, the clinical significance of this variant remains unclear.